The following is an entry in ClinVar:

ClinVar aggregate classification (germline): Uncertain significance. Review status: criteria provided, multiple submitters, no conflicts (2 of 4 stars). 4 submissions from 4 submitters: Uncertain significance (4). Last evaluated 2026-07-20.

Conditions:
MYH6-related disorder. Also called: MYH6-related condition; MYH6-Related Disorders.
Hypertrophic cardiomyopathy 14. Identifiers: MedGen C2750467, MONDO:0013197, OMIM 613251.
Cardiovascular phenotype. Identifiers: MedGen CN230736.
Atrial septal defect 3 (ASD3). Identifiers: Orphanet 1478, MedGen C3279790, MONDO:0013567, OMIM 614089.
Dilated cardiomyopathy 1EE (CMD1EE). Identifiers: Orphanet 154, MedGen C2750466, MONDO:0013198, OMIM 613252.

Allele frequency attached by ClinVar (database versions not stated): gnomAD 0.00001; gnomAD exomes 0.00001; TOPMed 0.00001.
gnomAD v4.1: 5 of 1,613,862 alleles (0.00031%); highest among the groups gnomAD compares: Non-Finnish European, 0.00042%; no homozygotes.

Submissions (4):

PreventionGenetics, part of Exact Sciences
Classification: Uncertain significance for MYH6-related condition. Last evaluated: 2026-07-20. Review status: criteria provided, single submitter. Criteria: ACMG Guidelines, 2015. Collection method: clinical testing. Allele origin: germline.
Comment: The MYH6 c.2272T>A variant is predicted to result in the amino acid substitution p.Tyr758Asn. To our knowledge, this variant has not been reported in the literature. This variant is reported in 0.0016% of alleles in individuals of European (Non-Finnish) descent in gnomAD. At this time, the clinical significance of this variant is uncertain due to the absence of conclusive functional and genetic evidence.

Labcorp Genetics (formerly Invitae), Labcorp
Classification: Uncertain significance for Hypertrophic cardiomyopathy 14. Last evaluated: 2025-08-09. Review status: criteria provided, single submitter. Criteria: Invitae Variant Classification Sherloc (09022015). Collection method: clinical testing. Allele origin: germline.
Comment: This sequence change replaces tyrosine, which is neutral and polar, with asparagine, which is neutral and polar, at codon 758 of the MYH6 protein (p.Tyr758Asn). This variant is present in population databases (no rsID available, gnomAD 0.002%). This variant has not been reported in the literature in individuals affected with MYH6-related conditions. ClinVar contains an entry for this variant (Variation ID: 1788812). Invitae Evidence Modeling of protein sequence and biophysical properties (such as structural, functional, and spatial information, amino acid conservation, physicochemical variation, residue mobility, and thermodynamic stability) indicates that this missense variant is expected to disrupt MYH6 protein function with a positive predictive value of 80%. In summary, the available evidence is currently insufficient to determine the role of this variant in disease. Therefore, it has been classified as a Variant of Uncertain Significance.

Clinical Genomics Laboratory, Washington University in St. Louis
Classification: Uncertain significance for Dilated cardiomyopathy 1EE; Hypertrophic cardiomyopathy 14; Atrial septal defect 3. Last evaluated: 2025-05-21. Review status: criteria provided, single submitter. Criteria: ACMG Guidelines, 2015. Collection method: clinical testing. Allele origin: germline.
Comment: The MYH6 c.2272T>A (p.Tyr758Asn) variant, to our knowledge, has not been reported in the medical literature. This variant has been reported in the ClinVar database as a germline variant of uncertain significance by one submitter. This variant is only observed on 5/1,613,862 alleles in the general population (gnomAD v.4.1.0), indicating it is not a common variant. Computational predictors indicate that the variant is damaging, evidence that correlates with impact on MYH6 function. Due to limited information, and based on ACMG/AMP guidelines for variant interpretation (Richards S et al., PMID: 25741868), the clinical significance of this variant is uncertain at this time.

Ambry Genetics
Classification: Uncertain significance for Cardiovascular phenotype. Last evaluated: 2024-12-10. Review status: criteria provided, single submitter. Criteria: Ambry Variant Classification Scheme 2023. Collection method: clinical testing. Allele origin: germline.

NM_002471.4(MYH6):c.2272T>A (p.Tyr758Asn)

Gene: MYH6 (myosin heavy chain 6; minus strand). Cytogenetic location: 14q11.2.
Variant type: single nucleotide variant.
Coding change: c.2272T>A on transcript NM_002471.4 (MANE Select); coding-DNA position 2272, T replaced by A.
Protein change: p.Tyr758Asn; replaces tyrosine 758 with asparagine.
Molecular consequence: missense variant.
Genome position (GRCh38, 1-based): chr14:23,396,714, A>T on the plus strand (T>A on the coding strand, the complement: MYH6 is on the minus strand). VCF-style: chr14-23396714-A-T. GRCh37 (hg19) VCF-style: chr14-23865923-A-T.
Other names: short protein forms Y758N.
Identifiers: ClinVar variation 1788812 (VCV001788812.6), dbSNP rs1316699265, ClinGen allele CA389016732.